The following is an entry in ClinVar:

NM_004415.4(DSP):c.2630+6C>T

Gene: DSP (desmoplakin; plus strand). Cytogenetic location: 6p24.3.
Variant type: single nucleotide variant.
Coding change: c.2630+6C>T on transcript NM_004415.4 (MANE Select); 6 bases into the intron after coding-DNA position 2630, C replaced by T.
Molecular consequence: intron variant.
Genome position (GRCh38, 1-based): chr6:7,575,494, C>T. VCF-style: chr6-7575494-C-T. GRCh37 (hg19) VCF-style: chr6-7575727-C-T.
Other names: c.2630+6C>T (NM_001319034.2, NM_001008844.3).
Identifiers: ClinVar variation 3386648 (VCV003386648.1).

ClinVar aggregate classification (germline): Uncertain significance (1 of 4 stars; one submission).

Conditions:
Arrhythmogenic cardiomyopathy with wooly hair and keratoderma. Also called: Carvajal syndrome; PALMOPLANTAR KERATODERMA WITH LEFT VENTRICULAR CARDIOMYOPATHY AND WOOLLY HAIR; Dilated cardiomyopathy with woolly hair and keratoderma; Arrhythmogenic cardiomyopathy with woolly hair and keratoderma. Identifiers: Orphanet 65282, MedGen C1854063, MONDO:0011581, OMIM 605676.

gnomAD v4.1: 1 of 1,614,060 alleles (0.000062%); highest among the groups gnomAD compares: South Asian, 0.0011%; no homozygotes.

Submission:

All of Us Research Program, National Institutes of Health
Classification: Uncertain significance for Arrhythmogenic cardiomyopathy with wooly hair and keratoderma. Last evaluated: 2024-06-17. Review status: criteria provided, single submitter. Criteria: ACMG Guidelines, 2015. Collection method: clinical testing. Allele origin: germline. Inheritance: Autosomal dominant inheritance. Observed: 1 variant allele, 1 heterozygote.
Comment: This variant causes a C to T nucleotide substitution at the +6 position of intron 18 of the DSP gene. To our knowledge, functional studies have not been reported for this variant. This variant has not been reported in individuals affected with cardiovascular disorders in the literature. This variant has been identified in 1/250432 chromosomes in the general population by the Genome Aggregation Database (gnomAD). The available evidence is insufficient to determine the role of this variant in disease conclusively. Therefore, this variant is classified as a Variant of Uncertain Significance.

This study involves interpretation of variants in research participants for the purpose of population health screening. Participant phenotype was not available at the time of variant classification. Additional details can be found in publication PMID: 35346344, PMCID: PMC8962531